The following is an entry in ClinVar:

NM_001042681.2(RERE):c.238C>G (p.Pro80Ala)

Gene: RERE (arginine-glutamic acid dipeptide repeats; minus strand). Cytogenetic location: 1p36.23.
Variant type: single nucleotide variant.
Coding change: c.238C>G on transcript NM_001042681.2 (MANE Select); coding-DNA position 238, C replaced by G.
Protein change: p.Pro80Ala; replaces proline 80 with alanine.
Molecular consequence: missense variant.
Genome position (GRCh38, 1-based): chr1:8,656,060, G>C on the plus strand (C>G on the coding strand, the complement: RERE is on the minus strand). VCF-style: chr1-8656060-G-C. GRCh37 (hg19) VCF-style: chr1-8716119-G-C.
Other names: c.238C>G, p.Pro80Ala (NM_012102.4); short protein forms P80A.
Identifiers: ClinVar variation 3893494 (VCV003893494.1).

ClinVar aggregate classification (germline): Uncertain significance (1 of 4 stars; one submission).

gnomAD v4.1: 1 of 1,613,742 alleles (0.000062%); highest among the groups gnomAD compares: East Asian, 0.0022%; no homozygotes.

Submission:

GeneDx
Classification: Uncertain significance. Last evaluated: 2024-10-21. Review status: criteria provided, single submitter. Criteria: GeneDx Variant Classification Process June 2021. Collection method: clinical testing. Allele origin: germline. Affected: yes.
Comment: Not observed at significant frequency in large population cohorts (gnomAD); In silico analysis indicates that this missense variant does not alter protein structure/function; Has not been previously published as pathogenic or benign to our knowledge